The following is an entry in ClinVar:

NM_003680.4(YARS1):c.101G>A (p.Arg34Gln)

Gene: YARS1 (tyrosyl-tRNA synthetase 1; minus strand). Cytogenetic location: 1p35.1.
Variant type: single nucleotide variant.
Coding change: c.101G>A on transcript NM_003680.4 (MANE Select); coding-DNA position 101, G replaced by A.
Protein change: p.Arg34Gln; replaces arginine 34 with glutamine.
Molecular consequence: missense variant.
Genome position (GRCh38, 1-based): chr1:32,811,014, C>T on the plus strand (G>A on the coding strand, the complement: YARS1 is on the minus strand). VCF-style: chr1-32811014-C-T. GRCh37 (hg19) VCF-style: chr1-33276615-C-T.
Other names: short protein forms R34Q.
Identifiers: ClinVar variation 2180865 (VCV002180865.5), dbSNP rs751199361, ClinGen allele CA745284.

ClinVar aggregate classification (germline): Uncertain significance. Review status: criteria provided, multiple submitters, no conflicts (2 of 4 stars). 2 submissions from 2 submitters: Uncertain significance (2). Last evaluated 2024-11-11.

Conditions:
Inborn genetic diseases. Identifiers: MedGen C0950123, MeSH D030342.
Charcot-Marie-Tooth disease dominant intermediate C (CMTDIC). Also called: CHARCOT-MARIE-TOOTH NEUROPATHY, DOMINANT INTERMEDIATE C. Identifiers: Orphanet 100045, MedGen C1842237, MONDO:0012012, OMIM 608323.

Allele frequency attached by ClinVar (database versions not stated): gnomAD exomes below 0.00001; gnomAD 0.00001; TOPMed 0.00001; ExAC 0.00002.
gnomAD v4.1: 6 of 1,614,000 alleles (0.00037%); highest among the groups gnomAD compares: Admixed American, 0.0017%; no homozygotes.

Submissions (2):

Ambry Genetics
Classification: Uncertain significance for Inborn genetic diseases. Last evaluated: 2024-11-11. Review status: criteria provided, single submitter. Criteria: Ambry Variant Classification Scheme 2023. Collection method: clinical testing. Allele origin: germline.

Labcorp Genetics (formerly Invitae), Labcorp
Classification: Uncertain significance for Charcot-Marie-Tooth disease dominant intermediate C. Last evaluated: 2022-10-08. Review status: criteria provided, single submitter. Criteria: Invitae Variant Classification Sherloc (09022015). Collection method: clinical testing. Allele origin: germline.
Comment: This variant has not been reported in the literature in individuals affected with YARS-related conditions. In summary, the available evidence is currently insufficient to determine the role of this variant in disease. Therefore, it has been classified as a Variant of Uncertain Significance. Algorithms developed to predict the effect of missense changes on protein structure and function output the following: SIFT: "Not Available"; PolyPhen-2: "Benign"; Align-GVGD: "Not Available". The glutamine amino acid residue is found in multiple mammalian species, which suggests that this missense change does not adversely affect protein function. This variant is present in population databases (rs751199361, gnomAD 0.003%). This sequence change replaces arginine, which is basic and polar, with glutamine, which is neutral and polar, at codon 34 of the YARS protein (p.Arg34Gln).